The following is an entry in ClinVar:

NM_001849.4(COL6A2):c.1561C>T (p.Arg521Ter)

Gene: COL6A2 (collagen type VI alpha 2 chain; plus strand). Cytogenetic location: 21q22.3.
Variant type: single nucleotide variant.
Coding change: c.1561C>T on transcript NM_001849.4 (MANE Select); coding-DNA position 1561, C replaced by T.
Protein change: p.Arg521Ter; replaces arginine 521 with a stop codon.
Molecular consequence: nonsense.
Genome position (GRCh38, 1-based): chr21:46,122,147, C>T. VCF-style: chr21-46122147-C-T. GRCh37 (hg19) VCF-style: chr21-47542061-C-T.
Other names: c.1561C>T, p.Arg521Ter (NM_058174.3, NM_058175.3); short protein forms R521*.
Identifiers: ClinVar variation 423719 (VCV000423719.18), dbSNP rs773686174, ClinGen allele CA10071976.

ClinVar aggregate classification (germline): Conflicting classifications of pathogenicity. Review status: criteria provided, conflicting classifications (1 of 4 stars). 4 submissions from 4 submitters: Pathogenic (2); Likely pathogenic (1); Uncertain significance (1). Last evaluated 2024-06-19.

Conditions:
Bethlem myopathy 1A. Also called: Bethlem myopathy 1; MYOPATHY, BENIGN CONGENITAL, WITH CONTRACTURES; Bethlem Muscular Dystrophy. Identifiers: Orphanet 610, MedGen CN029274, MONDO:0024530, OMIM 158810.

Allele frequency attached by ClinVar (database versions not stated): ExAC 0.00003.
gnomAD v4.1: 10 of 1,612,512 alleles (0.00062%); highest among the groups gnomAD compares: African/African-American, 0.004%; no homozygotes.

Submissions (4):

Labcorp Genetics (formerly Invitae), Labcorp
Classification: Pathogenic for Bethlem myopathy 1A. Last evaluated: 2024-06-19. Review status: criteria provided, single submitter. Criteria: Invitae Variant Classification Sherloc (09022015). Collection method: clinical testing. Allele origin: germline.
Comment: This sequence change creates a premature translational stop signal (p.Arg521*) in the COL6A2 gene. It is expected to result in an absent or disrupted protein product. Loss-of-function variants in COL6A2 are known to be pathogenic (PMID: 19884007, 20976770). This variant is present in population databases (rs773686174, gnomAD 0.007%). This variant has not been reported in the literature in individuals affected with COL6A2-related conditions. ClinVar contains an entry for this variant (Variation ID: 423719). For these reasons, this variant has been classified as Pathogenic.

Revvity Omics, Revvity
Classification: Likely pathogenic. Last evaluated: 2024-04-05. Review status: criteria provided, single submitter. Criteria: ACMG Guidelines, 2015. Collection method: clinical testing. Allele origin: germline.

GeneDx
Classification: Uncertain significance. Last evaluated: 2023-08-12. Review status: criteria provided, single submitter. Criteria: GeneDx Variant Classification Process June 2021. Collection method: clinical testing. Allele origin: germline. Affected: yes.
Comment: Nonsense variant predicted to result in protein truncation or nonsense mediated decay in a gene for which loss of function is a known mechanism of disease; Has not been previously published as pathogenic or benign to our knowledge

Eurofins Ntd Llc (ga)
Classification: Pathogenic. Last evaluated: 2017-04-26. Review status: criteria provided, single submitter. Criteria: EGL Classification Definitions 2015. Collection method: clinical testing. Allele origin: germline. Observed: 1 variant allele, 1 heterozygote.

Literature cited by the submitters: PubMed 19884007 (cited by Labcorp Genetics (formerly Invitae), Labcorp); PubMed 20976770 (cited by Labcorp Genetics (formerly Invitae), Labcorp).